The following is an entry in ClinVar:

ClinVar aggregate classification (germline): Uncertain significance (1 of 4 stars; one submission).

Submission:

Ambry Genetics
Classification: Uncertain significance. Last evaluated: 2020-04-20. Review status: criteria provided, single submitter. Criteria: Ambry Variant Classification Scheme 2023. Collection method: clinical testing. Allele origin: germline.
Comment: The p.T264P variant (also known as c.790A>C), located in coding exon 4 of the GALNT12 gene, results from an A to C substitution at nucleotide position 790. The threonine at codon 264 is replaced by proline, an amino acid with highly similar properties. This amino acid position is highly conserved in available vertebrate species. In addition, this alteration is predicted to be deleterious by in silico analysis. Since supporting evidence is limited at this time, the clinical significance of this alteration remains unclear.

NM_024642.5(GALNT12):c.790A>C (p.Thr264Pro)

Gene: GALNT12 (polypeptide N-acetylgalactosaminyltransferase 12; plus strand). Cytogenetic location: 9q22.33.
Variant type: single nucleotide variant.
Coding change: c.790A>C on transcript NM_024642.5 (MANE Select); coding-DNA position 790, A replaced by C.
Protein change: p.Thr264Pro; replaces threonine 264 with proline.
Molecular consequence: missense variant.
Genome position (GRCh38, 1-based): chr9:98,831,830, A>C. VCF-style: chr9-98831830-A-C. GRCh37 (hg19) VCF-style: chr9-101594112-A-C.
Other names: short protein forms T264P.
Identifiers: ClinVar variation 1761164 (VCV001761164.2), dbSNP rs2490517445, ClinGen allele CA374218013.
Genomic context (GRCh38, chr9:98,831,830, plus strand): 5'-AGGATCCATGAAGAGGAGTCGGCAGTGGTGTGCCCGGTGATTGATGTGATCGACTGGAAC[A>C]CCTTCGAATACCTGGGGAACTCCGGGGAGCCCCAGATCGGCGGTTTCGACTGGAGGCTGG-3'
Protein context (NP_078918.3, residues 254-274): CPVIDVIDWN[Thr264Pro]FEYLGNSGEP